The following is an entry in ClinVar:

NM_000059.4(BRCA2):c.2078G>A (p.Cys693Tyr)

Gene: BRCA2 (BRCA2 DNA repair associated; plus strand). Cytogenetic location: 13q13.1.
Variant type: single nucleotide variant.
Coding change: c.2078G>A on transcript NM_000059.4 (MANE Select); coding-DNA position 2078, G replaced by A.
Protein change: p.Cys693Tyr; replaces cysteine 693 with tyrosine.
Molecular consequence: missense variant.
Genome position (GRCh38, 1-based): chr13:32,336,433, G>A. VCF-style: chr13-32336433-G-A. GRCh37 (hg19) VCF-style: chr13-32910570-G-A.
Other names: short protein forms C693Y.
Identifiers: ClinVar variation 580076 (VCV000580076.20), dbSNP rs771226774, ClinGen allele CA6940577.
Genomic context (GRCh38, chr13:32,336,433, plus strand): 5'-ATGAAACATGTTCTAATAATACAGTAATCTCTCAGGATCTTGATTATAAAGAAGCAAAAT[G>A]TAATAAGGAAAAACTACAGTTATTTATTACCCCAGAAGCTGATTCTCTGTCATGCCTGCA-3'
Protein context (NP_000050.3, residues 683-703): SQDLDYKEAK[Cys693Tyr]NKEKLQLFIT

ClinVar aggregate classification (germline): Conflicting classifications of pathogenicity. Review status: criteria provided, conflicting classifications (1 of 4 stars). 4 submissions from 4 submitters: Uncertain significance (3); Likely benign (1). Last evaluated 2024-09-26.

Conditions:
Hereditary cancer-predisposing syndrome. Also called: Neoplastic Syndromes, Hereditary; Tumor predisposition; Hereditary neoplastic syndrome; Hereditary Cancer Syndrome. Identifiers: Orphanet 140162, MedGen C0027672, MeSH D009386, MONDO:0015356.
Hereditary breast ovarian cancer syndrome. Also called: Hereditary breast and ovarian cancer syndrome; Hereditary breast and ovarian cancer syndrome (HBOC); BRCA1- and BRCA2-Associated Hereditary Breast and Ovarian Cancer; Hereditary breast and/or ovarian cancer syndrome; Hereditary breast and ovarian cancer; Breast and ovarian cancer. Identifiers: Orphanet 145, MedGen C0677776, MeSH D061325, MONDO:0003582. Disease mechanism: loss of function.

Allele frequency attached by ClinVar (database versions not stated): gnomAD exomes below 0.00001; TOPMed below 0.00001; ExAC 0.00001; gnomAD 0.00001.
gnomAD v4.1: 3 of 1,613,712 alleles (0.00019%); highest among the groups gnomAD compares: Non-Finnish European, 0.00025%; no homozygotes.

Submissions (4):

Labcorp Genetics (formerly Invitae), Labcorp
Classification: Uncertain significance for Hereditary breast ovarian cancer syndrome. Last evaluated: 2024-09-26. Review status: criteria provided, single submitter. Criteria: Invitae Variant Classification Sherloc (09022015). Collection method: clinical testing. Allele origin: germline.
Comment: This sequence change replaces cysteine, which is neutral and slightly polar, with tyrosine, which is neutral and polar, at codon 693 of the BRCA2 protein (p.Cys693Tyr). This variant is present in population databases (rs771226774, gnomAD 0.0009%). This variant has not been reported in the literature in individuals affected with BRCA2-related conditions. ClinVar contains an entry for this variant (Variation ID: 580076). Invitae Evidence Modeling of protein sequence and biophysical properties (such as structural, functional, and spatial information, amino acid conservation, physicochemical variation, residue mobility, and thermodynamic stability) indicates that this missense variant is not expected to disrupt BRCA2 protein function with a negative predictive value of 95%. In summary, the available evidence is currently insufficient to determine the role of this variant in disease. Therefore, it has been classified as a Variant of Uncertain Significance.

University of Washington Department of Laboratory Medicine, University of Washington
Classification: Likely benign for Hereditary cancer-predisposing syndrome. Last evaluated: 2023-03-23. Review status: criteria provided, single submitter. Criteria: Dines et al. (Genet Med. 2020). Collection method: curation. Allele origin: germline.
Comment: Missense variant in a coldspot region where missense variants are very unlikely to be pathogenic (PMID:31911673).

BRCA2 exon 11 coldspot. Reclassification based on statistical prior probability.

Ambry Genetics
Classification: Uncertain significance for Hereditary cancer-predisposing syndrome. Last evaluated: 2021-11-08. Review status: criteria provided, single submitter. Criteria: Ambry Variant Classification Scheme 2023. Collection method: clinical testing. Allele origin: germline.
Comment: The p.C693Y variant (also known as c.2078G>A), located in coding exon 10 of the BRCA2 gene, results from a G to A substitution at nucleotide position 2078. The cysteine at codon 693 is replaced by tyrosine, an amino acid with highly dissimilar properties. This amino acid position is poorly conserved in available vertebrate species. In addition, this alteration is predicted to be tolerated by in silico analysis. Since supporting evidence is limited at this time, the clinical significance of this alteration remains unclear.

Color Diagnostics, LLC DBA Color Health
Classification: Uncertain significance for Hereditary cancer-predisposing syndrome. Last evaluated: 2020-06-23. Review status: criteria provided, single submitter. Criteria: ACMG Guidelines, 2015. Collection method: clinical testing. Allele origin: germline.
Comment: This missense variant replaces cysteine with tyrosine at codon 693 of the BRCA2 protein. Computational prediction suggests that this variant may not impact protein structure and function (internally defined REVEL score threshold <= 0.5, PMID: 27666373). To our knowledge, functional studies have not been reported for this variant. This variant has not been reported in individuals affected with hereditary cancer in the literature. This variant has been identified in 1/250522 chromosomes in the general population by the Genome Aggregation Database (gnomAD). The available evidence is insufficient to determine the role of this variant in disease conclusively. Therefore, this variant is classified as a Variant of Uncertain Significance.